The following is an entry in ClinVar:

ClinVar aggregate classification (germline): Conflicting classifications of pathogenicity. Review status: criteria provided, conflicting classifications (1 of 4 stars). 6 submissions from 6 submitters: Likely pathogenic (2); Uncertain significance (3). 1 of the submissions does not count toward it. Last evaluated 2026-03-17.

Conditions:
CNGB3-related disorder. Also called: CNGB3-related condition; CNGB3-related disorders. Identifiers: MedGen CN239340.
Achromatopsia. Also called: Rod monochromatism. Identifiers: Orphanet 49382, MedGen C0152200, MONDO:0018852, HP:0011516.
Achromatopsia 3 (ACHM3). Also called: ACHROMATOPSIA WITH MYOPIA; PINGELAPESE BLINDNESS; TOTAL COLORBLINDNESS WITH MYOPIA; ROD MONOCHROMACY 1; ROD MONOCHROMATISM 1. Identifiers: Orphanet 49382, MedGen C1849792, MONDO:0009875, OMIM 262300.

Allele frequency attached by ClinVar (database versions not stated): ExAC 0.00002; gnomAD exomes 0.00002; TOPMed 0.00002; gnomAD 0.00003.
gnomAD v4.1: 22 of 1,613,748 alleles (0.0014%); highest among the groups gnomAD compares: Admixed American, 0.0067%; no homozygotes.

Submissions (6):

Myriad Genetics, Inc.
Classification: Uncertain significance for Achromatopsia 3. Last evaluated: 2026-03-17. Review status: criteria provided, single submitter. Criteria: Myriad Autosomal Dominant, Autosomal Recessive and X-Linked Classification Criteria (2023). Collection method: clinical testing. Allele origin: unknown.
Comment: NM_019098.4(CNGB3):c.2103G>C(Q701H) is a missense variant classified as a variant of uncertain significance in the context of achromatopsia, CNGB3-related. Q701H has been observed in cases with relevant disease (PMID: 28795510, 38219857). Relevant functional assessments of this variant are available in the literature (PMID: 40304364). Q701H has been observed in referenced population frequency databases. In summary, there is insufficient evidence to classify NM_019098.4(CNGB3):c.2103G>C(Q701H) as pathogenic or benign. Please note: this variant was assessed in the context of healthy population screening.

Natera, Inc.
Classification: Likely pathogenic for Achromatopsia. Last evaluated: 2025-12-17. Review status: criteria provided, single submitter. Criteria: Natera Variant Classification Schema (03/2026). Collection method: clinical testing. Allele origin: germline.
Comment: The c.2103G>C variant in CNGB3 is a missense variant predicted to cause substitution of glutamine to histidine at amino acid 701. This variant is rare in the general population with a frequency below the threshold expected for the associated phenotype(s). This variant has been observed in one or more individuals affected with the associated recessive disease, as either homozygous or compound heterozygous with a second variant (PMID: 32913385, 28795510, 28704108, 38219857). This variant has been identified in one or more affected individual with a phenotype highly consistent with the associated gene (PMID: 32913385). Functional studies show that this variant may disrupt protein function (PMID: 40304364). Given the available evidence, this variant is classified as Likely Pathogenic.

Blueprint Genetics
Classification: Likely pathogenic for CNGB3-related disorders. Last evaluated: 2024-01-10. Review status: criteria provided, single submitter. Criteria: ACMG Guidelines, 2015. Collection method: clinical testing. Allele origin: germline. Affected: yes. Observed: 3 variant alleles.

Labcorp Genetics (formerly Invitae), Labcorp
Classification: Uncertain significance. Last evaluated: 2022-08-31. Review status: criteria provided, single submitter. Criteria: Invitae Variant Classification Sherloc (09022015). Collection method: clinical testing. Allele origin: germline.
Comment: This sequence change replaces glutamine, which is neutral and polar, with histidine, which is basic and polar, at codon 701 of the CNGB3 protein (p.Gln701His). This variant also falls at the last nucleotide of exon 17, which is part of the consensus splice site for this exon. This variant is present in population databases (rs770214046, gnomAD 0.009%). This missense change has been observed in individual(s) with achromatopsia (PMID: 28795510). ClinVar contains an entry for this variant (Variation ID: 427680). Algorithms developed to predict the effect of missense changes on protein structure and function are either unavailable or do not agree on the potential impact of this missense change (SIFT: "Tolerated"; PolyPhen-2: "Probably Damaging"; Align-GVGD: "Class C0"). Variants that disrupt the consensus splice site are a relatively common cause of aberrant splicing (PMID: 17576681, 9536098). Algorithms developed to predict the effect of sequence changes on RNA splicing suggest that this variant may disrupt the consensus splice site. In summary, the available evidence is currently insufficient to determine the role of this variant in disease. Therefore, it has been classified as a Variant of Uncertain Significance.

Fulgent Genetics
Classification: Uncertain significance for Achromatopsia 3. Last evaluated: 2022-01-05. Review status: criteria provided, single submitter. Criteria: ACMG Guidelines, 2015. Collection method: clinical testing. Allele origin: unknown.

Molecular Genetics Laboratory, Institute for Ophthalmic Research
Classification: Uncertain significance for ACHM3. Last evaluated: 2017-03-27. Review status: no assertion criteria provided. Collection method: research. Allele origin: unknown. Affected: yes. Not counted in ClinVar's aggregate classification.

Literature cited by the submitters: PubMed 28795510 (cited by 4 submitters); PubMed 38219857 (cited by Myriad Genetics, Inc. and Natera, Inc.); PubMed 40304364 (cited by Myriad Genetics, Inc. and Natera, Inc.); PubMed 32913385 (cited by Natera, Inc.); PubMed 28704108 (cited by Natera, Inc.); PubMed 17576681 (cited by Labcorp Genetics (formerly Invitae), Labcorp); PubMed 9536098 (cited by Labcorp Genetics (formerly Invitae), Labcorp).

NM_019098.5(CNGB3):c.2103G>C (p.Gln701His)

Gene: CNGB3 (cyclic nucleotide gated channel subunit beta 3; minus strand). Cytogenetic location: 8q21.3.
Variant type: single nucleotide variant.
Coding change: c.2103G>C on transcript NM_019098.5 (MANE Select); coding-DNA position 2103, G replaced by C.
Protein change: p.Gln701His; replaces glutamine 701 with histidine.
Molecular consequence: missense variant.
Genome position (GRCh38, 1-based): chr8:86,578,689, C>G on the plus strand (G>C on the coding strand, the complement: CNGB3 is on the minus strand). VCF-style: chr8-86578689-C-G. GRCh37 (hg19) VCF-style: chr8-87590917-C-G.
Other names: short protein forms Q701H.
Identifiers: ClinVar variation 427680 (VCV000427680.10), dbSNP rs770214046, ClinGen allele CA4799812.